The following is an entry in ClinVar:

NM_000023.4(SGCA):c.158-12C>A

Gene: SGCA (sarcoglycan alpha; plus strand). Cytogenetic location: 17q21.33.
Variant type: single nucleotide variant.
Coding change: c.158-12C>A on transcript NM_000023.4 (MANE Select); 12 bases into the intron before coding-DNA position 158, C replaced by A.
Molecular consequence: intron variant.
Genome position (GRCh38, 1-based): chr17:50,167,570, C>A. VCF-style: chr17-50167570-C-A. GRCh37 (hg19) VCF-style: chr17-48244931-C-A.
Other names: c.158-12C>A (NM_001135697.3).
Identifiers: ClinVar variation 3689229 (VCV003689229.2).

ClinVar aggregate classification (germline): Uncertain significance (1 of 4 stars; one submission).

Conditions:
Autosomal recessive limb-girdle muscular dystrophy type 2D (LGMDR3). Also called: MUSCULAR DYSTROPHY, LIMB-GIRDLE, AUTOSOMAL RECESSIVE 3; ADHALINOPATHY, PRIMARY; DUCHENNE-LIKE AUTOSOMAL RECESSIVE MUSCULAR DYSTROPHY, TYPE 2. Identifiers: Orphanet 62, MedGen C2936332, MONDO:0011968, OMIM 608099. Disease mechanism: Affects gamma-sarcoglycan and also disrupts the integrity of the entire sarcoglycan complex..

gnomAD v4.1: 1 of 1,613,566 alleles (0.000062%); highest among the groups gnomAD compares: South Asian, 0.0011%; no homozygotes.

Submission:

Labcorp Genetics (formerly Invitae), Labcorp
Classification: Uncertain significance for Autosomal recessive limb-girdle muscular dystrophy type 2D. Last evaluated: 2024-08-06. Review status: criteria provided, single submitter. Criteria: Invitae Variant Classification Sherloc (09022015). Collection method: clinical testing. Allele origin: germline.
Comment: This sequence change falls in intron 2 of the SGCA gene. It does not directly change the encoded amino acid sequence of the SGCA protein. This variant is not present in population databases (gnomAD no frequency). This variant has not been reported in the literature in individuals affected with SGCA-related conditions. Algorithms developed to predict the effect of sequence changes on RNA splicing suggest that this variant may disrupt the consensus splice site. In summary, the available evidence is currently insufficient to determine the role of this variant in disease. Therefore, it has been classified as a Variant of Uncertain Significance.